The following is an entry in ClinVar:

NM_015338.6(ASXL1):c.3482T>C (p.Met1161Thr)

Gene: ASXL1 (ASXL transcriptional regulator 1; plus strand). Cytogenetic location: 20q11.21.
Variant type: single nucleotide variant.
Coding change: c.3482T>C on transcript NM_015338.6 (MANE Select); coding-DNA position 3482, T replaced by C.
Protein change: p.Met1161Thr; replaces methionine 1161 with threonine.
Molecular consequence: missense variant.
Genome position (GRCh38, 1-based): chr20:32,436,194, T>C. VCF-style: chr20-32436194-T-C. GRCh37 (hg19) VCF-style: chr20-31023997-T-C.
Other names: c.3299T>C, p.Met1100Thr (NM_001363734.1); short protein forms M1100T, M1161T.
Identifiers: ClinVar variation 2604769 (VCV002604769.3), dbSNP rs764192497, ClinGen allele CA9808837.
Genomic context (GRCh38, chr20:32,436,194, plus strand): 5'-ACCAGAGCCATGGCTCGCTACGCATGGGATCTTTACATGGTCTTGGAAAAAACAGTGGCA[T>C]GGTTGATGGAAGCAGCCCCAGTTCTTTAAGGGCTTTGAAGGAGCCTCTTCTGCCAGATAG-3'
Protein context (NP_056153.2, residues 1151-1171): SLHGLGKNSG[Met1161Thr]VDGSSPSSLR

ClinVar aggregate classification (germline): Uncertain significance (1 of 4 stars; one submission).

Conditions:
Inborn genetic diseases. Identifiers: MedGen C0950123, MeSH D030342.

Allele frequency attached by ClinVar (database versions not stated): gnomAD exomes below 0.00001; ExAC 0.00001.

Submission:

Ambry Genetics
Classification: Uncertain significance for Inborn genetic diseases. Last evaluated: 2025-04-19. Review status: criteria provided, single submitter. Criteria: Ambry Variant Classification Scheme 2023. Collection method: clinical testing. Allele origin: germline.
Comment: The p.M1161T variant (also known as c.3482T>C), located in coding exon 13 of the ASXL1 gene, results from a T to C substitution at nucleotide position 3482. The methionine at codon 1161 is replaced by threonine, an amino acid with similar properties. This amino acid position is conserved. In addition, this alteration is predicted to be tolerated by in silico analysis. Based on the available evidence, the clinical significance of this variant remains unclear.